The following is an entry in ClinVar:

NM_001323289.2(CDKL5):c.555-19C>G

Gene: CDKL5 (cyclin dependent kinase like 5; plus strand). Cytogenetic location: Xp22.13.
Variant type: single nucleotide variant.
Coding change: c.555-19C>G on transcript NM_001323289.2 (MANE Select); 19 bases into the intron before coding-DNA position 555, C replaced by G.
Molecular consequence: intron variant.
Genome position (GRCh38, 1-based): chrX:18,587,935, C>G. VCF-style: chrX-18587935-C-G. GRCh37 (hg19) VCF-style: chrX-18606055-C-G.
Other names: c.555-19C>G (NM_003159.3, NM_001037343.2).
Identifiers: ClinVar variation 94114 (VCV000094114.24), dbSNP rs75057928, ClinGen allele CA213362.

ClinVar aggregate classification (germline): Benign. Review status: criteria provided, multiple submitters, no conflicts (2 of 4 stars). 11 submissions from 10 submitters: Benign (5). 6 of the submissions do not count toward it. Last evaluated 2026-02-03.

Conditions:
CDKL5 disorder. Identifiers: MedGen CN296942, MONDO:0100039.
Developmental and epileptic encephalopathy, 2 (DEE2). Also called: INFANTILE SPASM SYNDROME, X-LINKED 2; CDKL5 deficiency disorder. Identifiers: Orphanet 1934, Orphanet 3451, Orphanet 505652, MedGen C4750718, MONDO:0010396, OMIM 300672.
Angelman syndrome-like. Identifiers: MedGen CN128785.

Allele frequency attached by ClinVar (database versions not stated): ESP Exome Variant Server 0.02452; gnomAD 0.02706 and 0.02527; 1000 Genomes Project 0.06967; TOPMed 0.03279; 1000 Genomes Project 30x 0.06660.
gnomAD v4.1: 15,748 of 1,194,188 alleles (1.3%); highest among the groups gnomAD compares: East Asian, 18%; 585 homozygotes.

Submissions (11):

Labcorp Genetics (formerly Invitae), Labcorp
Classification: Benign for Developmental and epileptic encephalopathy, 2; Angelman syndrome-like. Last evaluated: 2026-02-03. Review status: criteria provided, single submitter. Criteria: Invitae Variant Classification Sherloc (09022015). Collection method: clinical testing. Allele origin: germline.

Centre for Population Genomics, CPG
Classification: Benign for CDKL5 disorder. Last evaluated: 2024-07-12. Review status: criteria provided, single submitter. Criteria: McKnight et al. (Hum Mutat. 2022). Collection method: curation. Allele origin: germline. Inheritance: X-linked inheritance.
Comment: This variant has been collected from RettBASE and curated to current modified ACMG/AMP criteria. Based on the classification scheme defined by the ClinGen Rett/Angelman-like Expert Panel for Rett/AS-like Disorders Specifications to the ACMG/AMP Variant Interpretation Guidelines VCEP 3.0, this variant is classified as benign. At least the following criteria are met: The allele frequency of this variant in at least one population in gnomAD v4 is higher than the 0.03% threshold defined by the ClinGen Rett/Angelman-like Expert Panel for Rett/AS-like Disorders VCEP 3.0 (BA1).

GeneDx
Classification: Benign. Last evaluated: 2015-03-03. Review status: criteria provided, single submitter. Criteria: GeneDx Variant Classification Process June 2021. Collection method: clinical testing. Allele origin: germline. Affected: yes.

Eurofins Ntd Llc (ga)
Classification: Benign. Last evaluated: 2012-12-04. Review status: criteria provided, single submitter. Criteria: EGL Classification Definitions 2015. Collection method: clinical testing. Allele origin: germline. Observed: 3 variant alleles, 1 heterozygote, 2 hemizygotes.

Breakthrough Genomics
Classification: Benign. Review status: criteria provided, single submitter. Criteria: ACMG Guidelines, 2015. Collection method: not provided. Allele origin: germline. Inheritance: X-linked inheritance. Affected: yes.

Genomic Diagnostic Laboratory, Division of Genomic Diagnostics, Children's Hospital of Philadelphia
Classification: Benign. Last evaluated: 2015-02-13. Review status: no assertion criteria provided. Collection method: clinical testing. Allele origin: germline. Not counted in ClinVar's aggregate classification.

RettBASE
Classification: Benign. Last evaluated: 2014-05-09. Review status: no assertion criteria provided. Collection method: curation. Allele origin: unknown, maternal. Observed: 15 variant alleles. Not counted in ClinVar's aggregate classification.
Comment: Found in unaffected family members, likely to be rare polymorphism; shown in Nemos et al 2009 to have no effect on splicing

Clinical Genetics DNA and cytogenetics Diagnostics Lab, Erasmus MC, Erasmus Medical Center
Classification: Benign. Review status: no assertion criteria provided. Collection method: clinical testing. Allele origin: germline. Affected: yes. Study: VKGL Data-share Consensus. Not counted in ClinVar's aggregate classification.

Genetic Services Laboratory, University of Chicago
Classification: Likely benign. Review status: no assertion criteria provided. Collection method: clinical testing. Allele origin: germline. Inheritance: X-linked inheritance. Not counted in ClinVar's aggregate classification.
Comment: Likely benign based on allele frequency in 1000 Genomes Project or ESP global frequency and its presence in a patient with a rare or unrelated disease phenotype. NOT Sanger confirmed

Genome Diagnostics Laboratory, University Medical Center Utrecht
Classification: Benign. Review status: no assertion criteria provided. Collection method: clinical testing. Allele origin: germline. Affected: yes. Study: VKGL Data-share Consensus. Not counted in ClinVar's aggregate classification.

RettBASE
No classification provided. Review status: flagged submission. Collection method: not provided. Allele origin: not provided. Not counted in ClinVar's aggregate classification.
ClinVar note: Reason: This record appears to be redundant with a more recent record from the same submitter.
ClinVar note: Notes: SCV000189217 appears to be redundant with SCV000222272.

Literature cited by the submitters: PubMed 16611748 (cited by RettBASE); PubMed 18790821 (cited by RettBASE); PubMed 19793311 (cited by RettBASE); PubMed 19241098 (cited by RettBASE); PubMed 21775177 (cited by RettBASE).